The following is an entry in ClinVar:

NM_016343.4(CENPF):c.6398A>C (p.Lys2133Thr)

Gene: CENPF (centromere protein F; plus strand). Cytogenetic location: 1q41.
Variant type: single nucleotide variant.
Coding change: c.6398A>C on transcript NM_016343.4 (MANE Select); coding-DNA position 6398, A replaced by C.
Protein change: p.Lys2133Thr; replaces lysine 2133 with threonine.
Molecular consequence: missense variant.
Genome position (GRCh38, 1-based): chr1:214,645,968, A>C. VCF-style: chr1-214645968-A-C. GRCh37 (hg19) VCF-style: chr1-214819311-A-C.
Other names: short protein forms K2133T.
Identifiers: ClinVar variation 1321584 (VCV001321584.2), dbSNP rs750777215, ClinGen allele CA1390949.

ClinVar aggregate classification (germline): Uncertain significance (1 of 4 stars; one submission).

Allele frequency attached by ClinVar (database versions not stated): ExAC 0.00003; gnomAD exomes 0.00003 and 0.00004.
gnomAD v4.1: 42 of 1,614,178 alleles (0.0026%); highest among the groups gnomAD compares: South Asian, 0.044%; 1 homozygote.

Submission:

GeneDx
Classification: Uncertain significance. Last evaluated: 2021-05-11. Review status: criteria provided, single submitter. Criteria: GeneDx Variant Classification Process June 2021. Collection method: clinical testing. Allele origin: germline. Affected: yes.
Comment: In silico analysis supports that this missense variant has a deleterious effect on protein structure/function; Has not been previously published as pathogenic or benign to our knowledge